The following is an entry in ClinVar:

ClinVar aggregate classification (germline): Uncertain significance. Review status: criteria provided, single submitter (1 of 4 stars). 2 submissions from 2 submitters: Uncertain significance (1). 1 of the submissions does not count toward it. Last evaluated 2024-12-04.

Conditions:
Prostate cancer. Also called: Malignant tumor of prostate. Identifiers: Orphanet 1331, MedGen C0376358, MONDO:0008315, HP:0012125.

Allele frequency attached by ClinVar (database versions not stated): 1000 Genomes Project 30x 0.00016; TOPMed 0.00009.
gnomAD v4.1: 105 of 1,608,412 alleles (0.0065%); highest among the groups gnomAD compares: South Asian, 0.062%; 3 homozygotes.

Submissions (2):

Ambry Genetics
Classification: Uncertain significance. Last evaluated: 2024-12-04. Review status: criteria provided, single submitter. Criteria: Ambry Variant Classification Scheme 2023. Collection method: clinical testing. Allele origin: germline.

Science for Life laboratory,  Karolinska Institutet
Classification: Uncertain significance for Malignant tumor of prostate. Review status: no assertion criteria provided. Collection method: not provided. Allele origin: somatic. Not counted in ClinVar's aggregate classification.
Comment: TumorID:SWE-90B
ClinVar note: Converted during submission from Unknown to Uncertain significance.

NM_013289.4(KIR3DL1):c.809G>A (p.Arg270His)

Gene: KIR3DL1 (killer cell immunoglobulin like receptor, three Ig domains and long cytoplasmic tail 1). Cytogenetic location: 19q13.42.
Variant type: single nucleotide variant.
Coding change: c.809G>A on transcript NM_013289.4 (MANE Select); coding-DNA position 809, G replaced by A.
Protein change: p.Arg270His; replaces arginine 270 with histidine.
Molecular consequence: missense variant.
Genome position (GRCh38, 1-based): chr19:54,821,718, G>A. VCF-style: chr19-54821718-G-A. GRCh37 (hg19) VCF-style: chr19-55333173-G-A.
Other names: short protein forms R270H.
Identifiers: ClinVar variation 161666 (VCV000161666.4), dbSNP rs193921077, ClinGen allele CA174560.